The following is an entry in ClinVar:

NM_001283009.2(RTEL1):c.679A>G (p.Asn227Asp)

Genes: RTEL1 (regulator of telomere elongation helicase 1; plus strand), RTEL1-TNFRSF6B (RTEL1-TNFRSF6B readthrough (NMD candidate); plus strand). Cytogenetic location: 20q13.33.
Variant type: single nucleotide variant.
Coding change: c.679A>G on transcript NM_001283009.2 (MANE Select); coding-DNA position 679, A replaced by G.
Protein change: p.Asn227Asp; replaces asparagine 227 with aspartic acid.
Molecular consequence: missense variant. On other transcripts: non-coding transcript variant (1).
Genome position (GRCh38, 1-based): chr20:63,667,533, A>G. VCF-style: chr20-63667533-A-G. GRCh37 (hg19) VCF-style: chr20-62298886-A-G.
Other names: c.10A>G, p.Asn4Asp (NM_001283010.1); c.679A>G, p.Asn227Asp (NM_016434.4); c.751A>G, p.Asn251Asp (NM_032957.5); short protein forms N251D, N4D, N227D.
Identifiers: ClinVar variation 3791109 (VCV003791109.1).
Genomic context (GRCh38, chr20:63,667,533, plus strand): 5'-TGCCCTTACTACCTGTCCCGGAACCTGAAGCAGCAAGCCGACATCATATTCATGCCGTAC[A>G]ATTACTTGTTGGATGCCAAGGTGGGGGCTCAGTCCTGTAGCTGACGACTCCTGATGTCCA-3'
Protein context (NP_001269938.1, residues 217-237): QQADIIFMPY[Asn227Asp]YLLDAKSRRA

ClinVar aggregate classification (germline): Uncertain significance (1 of 4 stars; one submission).

Conditions:
Inborn genetic diseases. Identifiers: MedGen C0950123, MeSH D030342.

gnomAD v4.1: 3 of 1,613,720 alleles (0.00019%); highest among the groups gnomAD compares: African/African-American, 0.004%; no homozygotes.

Submission:

Ambry Genetics
Classification: Uncertain significance for Inborn genetic diseases. Last evaluated: 2025-02-01. Review status: criteria provided, single submitter. Criteria: Ambry Variant Classification Scheme 2023. Collection method: clinical testing. Allele origin: germline.
Comment: The p.N227D variant (also known as c.679A>G), located in coding exon 7 of the RTEL1 gene, results from an A to G substitution at nucleotide position 679. The asparagine at codon 227 is replaced by aspartic acid, an amino acid with highly similar properties. This amino acid position is conserved. In addition, the in silico prediction for this alteration is inconclusive. Based on the available evidence, the clinical significance of this variant remains unclear.